The following continues an entry in ClinVar:

NM_000059.4(BRCA2):c.8182G>A (p.Val2728Ile)

Gene: BRCA2. ClinVar aggregate classification (germline): Benign. Benign (1).

Submissions 40 to 43 of 43:

Department of Pathology and Laboratory Medicine, Sinai Health System
Classification: Benign for Malignant tumor of breast. Review status: no assertion criteria provided. Collection method: clinical testing. Allele origin: unknown. Affected: yes. Observed: 6 variant alleles. Study: The Canadian Open Genetics Repository (COGR). Not counted in ClinVar's aggregate classification.
Comment: The p.Val2728Ile variant was identified in 26 of 7026 proband chromosomes (frequency: 0.004) from individuals or families with breast, prostate or melanoma cancers, and was present in 4 of 1852 control chromosomes (frequency: 0.002) from healthy individuals (Sinilnikova 1999, Diez 2003, Haffy 2006, Luedeke 2009, Capanu 2011, Kuusisto 2011, Stegel 2011). The variant was identified by our laboratory in 2 individuals with breast cancer. The variant was also identified in dbSNP (ID: rs28897749 â€šÃ„ÃºWith Other, untested alleleâ€šÃ„Ã¹, in NHLBI Exome Sequencing Project (Exome Variant Server) in 39 of 8600 European American and 4 of 4406 African American; in HAPMAP-CEU in 2 of 224 chromosomes (frequency: 0.009) and in HAPMAP-MEX in 3 of 98 chromosomes(frequency: 0.031). In Exome Aggregation Consortium (ExAC) database the variant is found in 216 of 66738 (I homozygote) European (Non-Finnish), 18 of 6614 European (Finnish), 10 of 10404 African, 2 of 11576 Latino and 1 in 908 in Other alleles, increasing the likelihood this could be a low frequency benign variant. The variant was not found in East Asian and South Asian. The variant was identified in LOVD (7x predicted neutral), the ClinVar database (classified as a Benign variant by Invitae (Jun26, 2015), GeneDx (Oct21, 2013), Emory Genetics (Feb10, 2014), Ambry Genetics (Nov19, 2014), Molecular Genetics Diagnostic-CHEO, BIC (May29, 2002) and as Likely Benign by Counsyl (Jan02, 2014), Pathway Genomics (Jul24, 2014), CSER-University of Washington (Jun01, 2014), Biesecker Lab ClinSeq Project (Jul13, 2012); no classification was provided by ITMI. The variant was reported in GeneInsight through the Canadian Open Genetics Repository (2X, classified as â€šÃ„Ãºbenignâ€šÃ„Ã¹ by 2 clinical laboratories), the BIC database (92X with NO clinical importance), and UMD (95X as a neutral variant). In UMD the variant was identified with a co-occurring pathogenic BRCA2:c.1257delT (p.Cys419TrpfsX11), c.7230delT (p.Phe2410LeufsX59), c.6209_6212delAAAG (p.Glu2070ValfsX10), and BRCA1:c.5123C>A (p.Ala1708Glu), c.2308delT (p.Ser770HisfsX22), c.4065_4068delTCAA (p.Asn1355LysfsX10), c.5137delG (p.Val1713X), increasing the likelihood that the p.Val2728Ile variant does not have clinical significance. In addition, Myriad classifies this as a polymorphism (personal communication). The Val2728 residue is not conserved in mammals and computational analyses (SIFT, AlignGVGD) do not predict any effect on the protein function. In addition, the variant amino acid Ile (isoleucine) is present in other mammals and lower organisms increasing the likelihood that this variant does not have clinical significance. Overrepresentation of this variant had conferred 2.3-fold increased risk for sporadic prostate cancer and a 6-fold increased risk for familial prostate cancers, however larger sample sizes and replication studies are necessary to clarify the role of the variant in prostate cancer (Luedeke 2009). The c.8182G>A variant occurs outside of the splicing consensus sequence and in silico or computational prediction software programs (SpliceSiteFinder, MaxEntScan, NNSPLICE, GeneSplicer, HumanSpliceFinder) do not predict a difference in splicing. In summary, based on the above information, we lean towards a more benign role for this variant. This variant is classified as Benign.

Diagnostic Laboratory, Department of Genetics, University Medical Center Groningen
Classification: Benign for Breast-ovarian cancer, familial, susceptibility to, 2. Review status: no assertion criteria provided. Collection method: clinical testing. Allele origin: germline. Affected: yes. Study: VKGL Data-share Consensus. Not counted in ClinVar's aggregate classification.

Joint Genome Diagnostic Labs from Nijmegen and Maastricht, Radboudumc and MUMC+
Classification: Benign. Review status: no assertion criteria provided. Collection method: clinical testing. Allele origin: germline. Affected: yes. Study: VKGL Data-share Consensus. Not counted in ClinVar's aggregate classification.

Laboratory of Diagnostic Genome Analysis, Leiden University Medical Center (LUMC)
Classification: Likely benign. Review status: no assertion criteria provided. Collection method: clinical testing. Allele origin: germline. Affected: yes. Study: VKGL Data-share Consensus. Not counted in ClinVar's aggregate classification.

Literature cited by the submitters: PubMed 31131967 (cited by Evidence-based Network for the Interpretation of Germline Mutant Alleles (ENIGMA)); DOI 10.3389/fgene.2022.834265 (cited by National Health Laboratory Service, Universitas Academic Hospital and University of the Free State); PubMed 12097290 (cited by Women's Health and Genetics/Laboratory Corporation of America, LabCorp); PubMed 21356067 (cited by 3 submitters); PubMed 20104584 (cited by Women's Health and Genetics/Laboratory Corporation of America, LabCorp); PubMed 18607349 (cited by Women's Health and Genetics/Laboratory Corporation of America, LabCorp and Counsyl); PubMed 21520273 (cited by Women's Health and Genetics/Laboratory Corporation of America, LabCorp and Counsyl); PubMed 16905680 (cited by Women's Health and Genetics/Laboratory Corporation of America, LabCorp); PubMed 12215251 (cited by Women's Health and Genetics/Laboratory Corporation of America, LabCorp and Counsyl); PubMed 15800311 (cited by Women's Health and Genetics/Laboratory Corporation of America, LabCorp); PubMed 12556369 (cited by Women's Health and Genetics/Laboratory Corporation of America, LabCorp); PubMed 19043619 (cited by Women's Health and Genetics/Laboratory Corporation of America, LabCorp and Counsyl); PubMed 11929857 (cited by Women's Health and Genetics/Laboratory Corporation of America, LabCorp); PubMed 18284688 (cited by Women's Health and Genetics/Laboratory Corporation of America, LabCorp); PubMed 19861517 (cited by Women's Health and Genetics/Laboratory Corporation of America, LabCorp); PubMed 10399947 (cited by Women's Health and Genetics/Laboratory Corporation of America, LabCorp and Counsyl); PubMed 11556836 (cited by Women's Health and Genetics/Laboratory Corporation of America, LabCorp); PubMed 24055113 (cited by Women's Health and Genetics/Laboratory Corporation of America, LabCorp); PubMed 23231788 (cited by Women's Health and Genetics/Laboratory Corporation of America, LabCorp); PubMed 22505045 (cited by Women's Health and Genetics/Laboratory Corporation of America, LabCorp); PubMed 24728327 (cited by Women's Health and Genetics/Laboratory Corporation of America, LabCorp and ITMI); PubMed 21702907 (cited by Pathway Genomics and Counsyl); PubMed 22875147 (cited by Counsyl); PubMed 21952622 (cited by Counsyl).